The following is an entry in ClinVar:

ClinVar aggregate classification (germline): Uncertain significance (0 of 4 stars; one submission).

Conditions:
NF1-related disorder. Also called: NF1-related condition. Identifiers: MedGen CN379171.

Submission:

PreventionGenetics, part of Exact Sciences
Classification: Uncertain significance for NF1-related condition. Last evaluated: 2024-08-26. Review status: no assertion criteria provided. Collection method: clinical testing. Allele origin: germline.
Comment: The NF1 c.4643C>T variant is predicted to result in the amino acid substitution p.Pro1548Leu. On an alternate transcript (NM_00267) this variant is reported as c.4580C>T (p.Pro1527Leu). To our knowledge, this variant has not been reported in the literature or in a large population database, indicating this variant is rare. This variant is not present in ClinVar. At this time, the clinical significance of this variant is uncertain due to the absence of conclusive functional and genetic evidence.

NM_001042492.3(NF1):c.4643C>T (p.Pro1548Leu)

Gene: NF1 (neurofibromin 1; plus strand). Cytogenetic location: 17q11.2.
Variant type: single nucleotide variant.
Coding change: c.4643C>T on transcript NM_001042492.3 (MANE Select); coding-DNA position 4643, C replaced by T.
Protein change: p.Pro1548Leu; replaces proline 1548 with leucine.
Molecular consequence: missense variant.
Genome position (GRCh38, 1-based): chr17:31,261,776, C>T. VCF-style: chr17-31261776-C-T. GRCh37 (hg19) VCF-style: chr17-29588794-C-T.
Other names: c.4580C>T, p.Pro1527Leu (NM_000267.4); short protein forms P1527L, P1548L.
Identifiers: ClinVar variation 3347396 (VCV003347396.1).